The following is an entry in ClinVar:

ClinVar aggregate classification (germline): Likely pathogenic (1 of 4 stars; one submission).

Submission:

GeneDx
Classification: Likely pathogenic. Last evaluated: 2024-12-31. Review status: criteria provided, single submitter. Criteria: GeneDx Variant Classification Process June 2021. Collection method: clinical testing. Allele origin: germline. Affected: yes.
Comment: Canonical splice site variant predicted to result in an in-frame loss of the adjacent exon in a gene for which loss of function is a known mechanism of disease; Not observed at significant frequency in large population cohorts (gnomAD); Has not been previously published as pathogenic or benign to our knowledge

NM_024757.5(EHMT1):c.1370-1G>A

Gene: EHMT1 (euchromatic histone lysine methyltransferase 1; plus strand). Cytogenetic location: 9q34.3.
Variant type: single nucleotide variant.
Coding change: c.1370-1G>A on transcript NM_024757.5 (MANE Select); the canonical splice acceptor site of the intron before coding-DNA position 1370, G replaced by A.
Molecular consequence: splice acceptor variant.
Genome position (GRCh38, 1-based): chr9:137,757,879, G>A. VCF-style: chr9-137757879-G-A. GRCh37 (hg19) VCF-style: chr9-140652331-G-A.
Other names: c.1349-1G>A (NM_001354263.2); c.1277-1G>A (NM_001354259.2, NM_001354612.2); c.1370-1G>A (NM_001145527.2, NM_001354611.2).
Identifiers: ClinVar variation 3907747 (VCV003907747.1).